The following is an entry in ClinVar:

ClinVar aggregate classification (germline): Uncertain significance (1 of 4 stars; one submission).

Conditions:
Severe combined immunodeficiency due to DNA-PKcs deficiency. Also called: IMMUNODEFICIENCY 26 WITH NEUROLOGIC ABNORMALITIES; Immunodeficiency 26 with or without neurologic abnormalities. Identifiers: Orphanet 317425, MedGen C4014833, MONDO:0014423, OMIM 615966.

Submission:

Labcorp Genetics (formerly Invitae), Labcorp
Classification: Uncertain significance for Severe combined immunodeficiency due to DNA-PKcs deficiency. Last evaluated: 2022-09-25. Review status: criteria provided, single submitter. Criteria: Invitae Variant Classification Sherloc (09022015). Collection method: clinical testing. Allele origin: germline.
Comment: In summary, the available evidence is currently insufficient to determine the role of this variant in disease. Therefore, it has been classified as a Variant of Uncertain Significance. Experimental studies and prediction algorithms are not available or were not evaluated, and the functional significance of this variant is currently unknown. This variant has not been reported in the literature in individuals affected with PRKDC-related conditions. This variant is not present in population databases (gnomAD no frequency). This sequence change replaces methionine, which is neutral and non-polar, with valine, which is neutral and non-polar, at codon 1724 of the PRKDC protein (p.Met1724Val).

NM_006904.7(PRKDC):c.5170A>G (p.Met1724Val)

Gene: PRKDC (protein kinase, DNA-activated, catalytic subunit; minus strand). Cytogenetic location: 8q11.21.
Variant type: single nucleotide variant.
Coding change: c.5170A>G on transcript NM_006904.7 (MANE Select); coding-DNA position 5170, A replaced by G.
Protein change: p.Met1724Val; replaces methionine 1724 with valine.
Molecular consequence: missense variant.
Genome position (GRCh38, 1-based): chr8:47,879,556, T>C on the plus strand (A>G on the coding strand, the complement: PRKDC is on the minus strand). VCF-style: chr8-47879556-T-C. GRCh37 (hg19) VCF-style: chr8-48792117-T-C.
Other names: c.5170A>G, p.Met1724Val (NM_001081640.2); short protein forms M1724V.
Identifiers: ClinVar variation 1719331 (VCV001719331.3), dbSNP rs2089164664, ClinGen allele CA371138529.
Genomic context (GRCh38, chr8:47,879,556, plus strand): 5'-TCATGCAGTCCACATAATTATTGAACCGCGGAGTTCCTGGAGGAAATTCCCTGGACTGCA[T>C]GGGGAAGTGAGCAACGATGAGCTGCTCCAGAACACGTCTAAGTTCCTCCAGACTGCCTCC-3'
Protein context (NP_008835.5, residues 1714-1734): LEQLIVAHFP[Met1724Val]QSREFPPGTP